The following is an entry in ClinVar:

ClinVar aggregate classification (germline): Conflicting classifications of pathogenicity. Review status: criteria provided, conflicting classifications (1 of 4 stars). 3 submissions from 3 submitters: Likely pathogenic (1); Uncertain significance (2). Last evaluated 2025-08-01.

Conditions:
Metachromatic leukodystrophy (MLD). Also called: Arylsulfatase A Deficiency; ARSA DEFICIENCY; CEREBROSIDE SULFATASE DEFICIENCY; METACHROMATIC LEUKOENCEPHALOPATHY; SULFATIDE LIPIDOSIS; Cerebral sclerosis diffuse metachromatic form. Identifiers: Orphanet 512, MedGen C0023522, MONDO:0018868, OMIM 250100.

Allele frequency attached by ClinVar (database versions not stated): TOPMed 0.00002; ExAC 0.00001.

Submissions (4):

Myriad Genetics, Inc.
Classification: Uncertain significance for Metachromatic leukodystrophy. Last evaluated: 2025-08-01. Review status: criteria provided, single submitter. Criteria: Myriad Autosomal Dominant, Autosomal Recessive and X-Linked Classification Criteria (2023). Collection method: clinical testing. Allele origin: unknown.
Comment: NM_000487.5(ARSA):c.460G>C(D154H) is a missense variant classified as a variant of uncertain significance in the context of metachromatic leukodystrophy. D154H has not been observed in cases with relevant disease. Relevant functional assessments of this variant are available in the literature (PMID: 37480112). D154H has not been observed in referenced population frequency databases. In summary, there is insufficient evidence to classify NM_000487.5(ARSA):c.460G>C(D154H) as pathogenic or benign. Please note: this variant was assessed in the context of healthy population screening.

GeneDx
Classification: Uncertain significance. Last evaluated: 2025-02-07. Review status: criteria provided, single submitter. Criteria: GeneDx Variant Classification Process June 2021. Collection method: clinical testing. Allele origin: germline. Affected: yes.
Comment: Not observed at significant frequency in large population cohorts (gnomAD); In silico analysis supports that this missense variant has a deleterious effect on protein structure/function; Has not been previously published as pathogenic or benign to our knowledge

Labcorp Genetics (formerly Invitae), Labcorp
Classification: Likely pathogenic for Metachromatic leukodystrophy. Last evaluated: 2025-01-27. Review status: criteria provided, single submitter. Criteria: Invitae Variant Classification Sherloc (09022015). Collection method: clinical testing. Allele origin: germline.
Comment: This sequence change replaces aspartic acid, which is acidic and polar, with histidine, which is basic and polar, at codon 154 of the ARSA protein (p.Asp154His). This variant is not present in population databases (gnomAD no frequency). This variant has not been reported in the literature in individuals affected with ARSA-related conditions. ClinVar contains an entry for this variant (Variation ID: 1937349). Invitae Evidence Modeling of protein sequence and biophysical properties (such as structural, functional, and spatial information, amino acid conservation, physicochemical variation, residue mobility, and thermodynamic stability) indicates that this missense variant is expected to disrupt ARSA protein function with a positive predictive value of 95%. This variant disrupts the p.Asp154 amino acid residue in ARSA. Other variant(s) that disrupt this residue have been determined to be pathogenic (PMID: 9090526; internal data). This suggests that this residue is clinically significant, and that variants that disrupt this residue are likely to be disease-causing. In summary, the currently available evidence indicates that the variant is pathogenic, but additional data are needed to prove that conclusively. Therefore, this variant has been classified as Likely Pathogenic.

Gelb Laboratory, University of Washington
No classification provided (evidence only). Condition: Metachromatic leukodystrophy. Review status: no classification provided. Collection method: in vitro. Allele origin: not applicable. Functional consequence: loss of function. Not counted in ClinVar's aggregate classification.

Literature cited by the submitters: PubMed 37480112 (cited by Myriad Genetics, Inc.); PubMed 9090526 (cited by Labcorp Genetics (formerly Invitae), Labcorp).

NM_000487.6(ARSA):c.460G>C (p.Asp154His)

Gene: ARSA (arylsulfatase A; minus strand). Cytogenetic location: 22q13.33.
Variant type: single nucleotide variant.
Coding change: c.460G>C on transcript NM_000487.6 (MANE Select); coding-DNA position 460, G replaced by C.
Protein change: p.Asp154His; replaces aspartic acid 154 with histidine.
Molecular consequence: missense variant.
Genome position (GRCh38, 1-based): chr22:50,627,171, C>G on the plus strand (G>C on the coding strand, the complement: ARSA is on the minus strand). VCF-style: chr22-50627171-C-G. GRCh37 (hg19) VCF-style: chr22-51065599-C-G.
Other names: c.460G>C, p.Asp154His (NM_001085425.3, NM_001085426.3, NM_001085427.3); c.202G>C, p.Asp68His (NM_001085428.3, NM_001362782.2); short protein forms D68H, D154H.
Identifiers: ClinVar variation 1937349 (VCV001937349.9), dbSNP rs199476365, ClinGen allele CA10325030.